The following is an entry in ClinVar:

NM_004320.6(ATP2A1):c.1001G>A (p.Arg334Lys)

Gene: ATP2A1 (ATPase sarcoplasmic/endoplasmic reticulum Ca2+ transporting 1; plus strand). Cytogenetic location: 16p11.2.
Variant type: single nucleotide variant.
Coding change: c.1001G>A on transcript NM_004320.6 (MANE Select); coding-DNA position 1001, G replaced by A.
Protein change: p.Arg334Lys; replaces arginine 334 with lysine.
Molecular consequence: missense variant.
Genome position (GRCh38, 1-based): chr16:28,888,859, G>A. VCF-style: chr16-28888859-G-A. GRCh37 (hg19) VCF-style: chr16-28900180-G-A.
Other names: c.626G>A, p.Arg209Lys (NM_001286075.2); c.1001G>A, p.Arg334Lys (NM_173201.5); short protein forms R334K, R209K.
Identifiers: ClinVar variation 1906521 (VCV001906521.5), dbSNP rs2506290598, ClinGen allele CA395404574.

ClinVar aggregate classification (germline): Uncertain significance (1 of 4 stars; one submission).

Conditions:
Brody myopathy. Also called: BRODY DISEASE. Identifiers: Orphanet 53347, MedGen C1832918, MONDO:0010977, OMIM 601003.

Allele frequency attached by ClinVar (database versions not stated): gnomAD exomes below 0.00001.
gnomAD v4.1: 2 of 1,613,590 alleles (0.00012%); highest among the groups gnomAD compares: Non-Finnish European, 0.00017%; no homozygotes.

Submission:

Labcorp Genetics (formerly Invitae), Labcorp
Classification: Uncertain significance for Brody myopathy. Last evaluated: 2022-05-25. Review status: criteria provided, single submitter. Criteria: Invitae Variant Classification Sherloc (09022015). Collection method: clinical testing. Allele origin: germline.
Comment: This variant is not present in population databases (gnomAD no frequency). This sequence change replaces arginine, which is basic and polar, with lysine, which is basic and polar, at codon 334 of the ATP2A1 protein (p.Arg334Lys). This variant has not been reported in the literature in individuals affected with ATP2A1-related conditions. In summary, the available evidence is currently insufficient to determine the role of this variant in disease. Therefore, it has been classified as a Variant of Uncertain Significance. Algorithms developed to predict the effect of missense changes on protein structure and function are either unavailable or do not agree on the potential impact of this missense change (SIFT: "Deleterious"; PolyPhen-2: "Probably Damaging"; Align-GVGD: "Class C0").